The following is an entry in ClinVar:

ClinVar aggregate classification (germline): Uncertain significance (1 of 4 stars; one submission).

Submission:

Labcorp Genetics (formerly Invitae), Labcorp
Classification: Uncertain significance. Last evaluated: 2021-05-27. Review status: criteria provided, single submitter. Criteria: Invitae Variant Classification Sherloc (09022015). Collection method: clinical testing. Allele origin: germline.
Comment: This sequence change creates a premature translational stop signal (p.Asp586Thrfs*25) in the GZF1 gene. While this is not anticipated to result in nonsense mediated decay, it is expected to disrupt the last 126 amino acid(s) of the GZF1 protein. This variant is not present in population databases (ExAC no frequency). This variant has not been reported in the literature in individuals with GZF1-related conditions. Experimental studies and prediction algorithms are not available or were not evaluated, and the functional significance of this variant is currently unknown. In summary, the available evidence is currently insufficient to determine the role of this variant in disease. Therefore, it has been classified as a Variant of Uncertain Significance.

NM_022482.5(GZF1):c.1755del (p.Asp586fs)

Gene: GZF1 (GDNF inducible zinc finger protein 1; plus strand). Cytogenetic location: 20p11.21.
Variant type: Deletion.
Coding change: c.1755del on transcript NM_022482.5 (MANE Select); coding-DNA position 1755, one base deleted (C; older notation c.1755delC).
Protein change: p.Asp586fs; shifts the reading frame from aspartic acid 586.
Molecular consequence: frameshift variant.
Genome position (GRCh38, 1-based): chr20:23,369,711, C deleted; the last of 2 consecutive C bases (chr20:23,369,710-23,369,711); deleting either gives the same sequence. VCF-style (leftmost placement, unchanged base first): chr20-23369709-AC-A. GRCh37 (hg19) VCF-style: chr20-23350346-AC-A.
Other names: c.1755del, p.Asp586fs (NM_001317012.2, NM_001317019.1); short protein forms D586fs.
Identifiers: ClinVar variation 1473800 (VCV001473800.8), dbSNP rs2123077402, ClinGen allele CA2573156949.